The following is an entry in ClinVar:

ClinVar aggregate classification (germline): Uncertain significance (1 of 4 stars; one submission).

Allele frequency attached by ClinVar (database versions not stated): gnomAD exomes 0.00001 and 0.00002; TOPMed 0.00002; gnomAD 0.00003 and 0.00004.
gnomAD v4.1: 28 of 1,614,046 alleles (0.0017%); highest among the groups gnomAD compares: Non-Finnish European, 0.0023%; no homozygotes.

Submission:

Labcorp Genetics (formerly Invitae), Labcorp
Classification: Uncertain significance. Last evaluated: 2023-08-17. Review status: criteria provided, single submitter. Criteria: Invitae Variant Classification Sherloc (09022015). Collection method: clinical testing. Allele origin: germline.
Comment: ClinVar contains an entry for this variant (Variation ID: 1463457). This sequence change replaces isoleucine, which is neutral and non-polar, with threonine, which is neutral and polar, at codon 58 of the ZMPSTE24 protein (p.Ile58Thr). This variant is present in population databases (rs527591303, gnomAD 0.002%). This variant has not been reported in the literature in individuals affected with ZMPSTE24-related conditions. Advanced modeling of protein sequence and biophysical properties (such as structural, functional, and spatial information, amino acid conservation, physicochemical variation, residue mobility, and thermodynamic stability) performed at Invitae indicates that this missense variant is not expected to disrupt ZMPSTE24 protein function. In summary, the available evidence is currently insufficient to determine the role of this variant in disease. Therefore, it has been classified as a Variant of Uncertain Significance.

NM_005857.5(ZMPSTE24):c.173T>C (p.Ile58Thr)

Gene: ZMPSTE24 (zinc metallopeptidase STE24; plus strand). Cytogenetic location: 1p34.2.
Variant type: single nucleotide variant.
Coding change: c.173T>C on transcript NM_005857.5 (MANE Select); coding-DNA position 173, T replaced by C.
Protein change: p.Ile58Thr; replaces isoleucine 58 with threonine.
Molecular consequence: missense variant.
Genome position (GRCh38, 1-based): chr1:40,260,888, T>C. VCF-style: chr1-40260888-T-C. GRCh37 (hg19) VCF-style: chr1-40726560-T-C.
Other names: short protein forms I58T.
Identifiers: ClinVar variation 1463457 (VCV001463457.4), dbSNP rs527591303, ClinGen allele CA21030157.